The following is an entry in ClinVar:

NM_018089.3(ANKZF1):c.1633G>A (p.Ala545Thr)

Gene: ANKZF1 (ankyrin repeat and zinc finger peptidyl tRNA hydrolase 1; plus strand). Cytogenetic location: 2q35.
Variant type: single nucleotide variant.
Coding change: c.1633G>A on transcript NM_018089.3 (MANE Select); coding-DNA position 1633, G replaced by A.
Protein change: p.Ala545Thr; replaces alanine 545 with threonine.
Molecular consequence: missense variant.
Genome position (GRCh38, 1-based): chr2:219,235,254, G>A. VCF-style: chr2-219235254-G-A. GRCh37 (hg19) VCF-style: chr2-220099976-G-A.
Other names: c.1633G>A, p.Ala545Thr (NM_001042410.2); c.1003G>A, p.Ala335Thr (NM_001282792.2); short protein forms A545T, A335T.
Identifiers: ClinVar variation 2776161 (VCV002776161.3), dbSNP rs1054130197, ClinGen allele CA65972093.

ClinVar aggregate classification (germline): Uncertain significance (1 of 4 stars; one submission).

Allele frequency attached by ClinVar (database versions not stated): gnomAD exomes below 0.00001; TOPMed 0.00002; gnomAD 0.00004.
gnomAD v4.1: 10 of 1,612,408 alleles (0.00062%); highest among the groups gnomAD compares: African/African-American, 0.013%; no homozygotes.

Submission:

Labcorp Genetics (formerly Invitae), Labcorp
Classification: Uncertain significance. Last evaluated: 2024-01-19. Review status: criteria provided, single submitter. Criteria: Invitae Variant Classification Sherloc (09022015). Collection method: clinical testing. Allele origin: germline.
Comment: This sequence change replaces alanine, which is neutral and non-polar, with threonine, which is neutral and polar, at codon 545 of the ANKZF1 protein (p.Ala545Thr). This variant is present in population databases (no rsID available, gnomAD 0.01%). This variant has not been reported in the literature in individuals affected with ANKZF1-related conditions. An algorithm developed to predict the effect of missense changes on protein structure and function (PolyPhen-2) suggests that this variant is likely to be disruptive. In summary, the available evidence is currently insufficient to determine the role of this variant in disease. Therefore, it has been classified as a Variant of Uncertain Significance.